The following is an entry in ClinVar:

NM_024675.4(PALB2):c.2446T>C (p.Phe816Leu)

Gene: PALB2 (partner and localizer of BRCA2; minus strand). Cytogenetic location: 16p12.2.
Variant type: single nucleotide variant.
Coding change: c.2446T>C on transcript NM_024675.4 (MANE Select); coding-DNA position 2446, T replaced by C.
Protein change: p.Phe816Leu; replaces phenylalanine 816 with leucine.
Molecular consequence: missense variant.
Genome position (GRCh38, 1-based): chr16:23,629,708, A>G on the plus strand (T>C on the coding strand, the complement: PALB2 is on the minus strand). VCF-style: chr16-23629708-A-G. GRCh37 (hg19) VCF-style: chr16-23641029-A-G.
Other names: short protein forms F816L.
Identifiers: ClinVar variation 630081 (VCV000630081.17), dbSNP rs1567217251, ClinGen allele CA395124193.
Genomic context (GRCh38, chr16:23,629,708, plus strand): 5'-CGGAATGTTTATGCAGCTCCTGGCATGTGTTTCTACAGAGCTGATTTTCTTTAAAAGTGA[A>G]TGACTCAATGGGTGGAGGTGTTCCTGGCGGGACAGAGTCACAGTCACAGGTAGGTTGTCC-3'
Protein context (NP_078951.2, residues 806-826): PPGTPPPIES[Phe816Leu]TFKENQLCRN

ClinVar aggregate classification (germline): Uncertain significance. Review status: criteria provided, multiple submitters, no conflicts (2 of 4 stars). 3 submissions from 3 submitters: Uncertain significance (3). Last evaluated 2025-06-17.

Conditions:
Hereditary cancer-predisposing syndrome. Also called: Neoplastic Syndromes, Hereditary; Tumor predisposition; Hereditary neoplastic syndrome; Hereditary Cancer Syndrome. Identifiers: Orphanet 140162, MedGen C0027672, MeSH D009386, MONDO:0015356.
Familial cancer of breast. Also called: BREAST CANCER, FAMILIAL; Hereditary breast cancer; hereditary breast carcinoma. Identifiers: Orphanet 227535, MedGen C0346153, MONDO:0016419, OMIM 114480. Disease mechanism: loss of function.

Submissions (3):

Labcorp Genetics (formerly Invitae), Labcorp
Classification: Uncertain significance for Familial cancer of breast. Last evaluated: 2025-06-17. Review status: criteria provided, single submitter. Criteria: Invitae Variant Classification Sherloc (09022015). Collection method: clinical testing. Allele origin: germline.
Comment: This sequence change replaces phenylalanine, which is neutral and non-polar, with leucine, which is neutral and non-polar, at codon 816 of the PALB2 protein (p.Phe816Leu). This variant is not present in population databases (gnomAD no frequency). This variant has not been reported in the literature in individuals affected with PALB2-related conditions. ClinVar contains an entry for this variant (Variation ID: 630081). Invitae Evidence Modeling of protein sequence and biophysical properties (such as structural, functional, and spatial information, amino acid conservation, physicochemical variation, residue mobility, and thermodynamic stability) indicates that this missense variant is not expected to disrupt PALB2 protein function with a negative predictive value of 80%. In summary, the available evidence is currently insufficient to determine the role of this variant in disease. Therefore, it has been classified as a Variant of Uncertain Significance.

Color Diagnostics, LLC DBA Color Health
Classification: Uncertain significance for Hereditary cancer-predisposing syndrome. Last evaluated: 2024-03-06. Review status: criteria provided, single submitter. Criteria: ACMG Guidelines, 2015. Collection method: clinical testing. Allele origin: germline.
Comment: This missense variant replaces phenylalanine with leucine at codon 816 of the PALB2 protein. Computational prediction suggests that this variant may not impact protein structure and function (internally defined REVEL score threshold <= 0.5, PMID: 27666373). Splice site prediction tools suggest that this variant may not impact RNA splicing. To our knowledge, functional studies have not been performed for this variant. This variant has not been reported in individuals affected with hereditary cancer in the literature. This variant has not been identified in the general population by the Genome Aggregation Database (gnomAD). The available evidence is insufficient to determine the role of this variant in disease conclusively. Therefore, this variant is classified as a Variant of Uncertain Significance.

Ambry Genetics
Classification: Uncertain significance for Hereditary cancer-predisposing syndrome. Last evaluated: 2023-10-12. Review status: criteria provided, single submitter. Criteria: Ambry Variant Classification Scheme 2023. Collection method: clinical testing. Allele origin: germline.
Comment: The p.F816L variant (also known as c.2446T>C), located in coding exon 5 of the PALB2 gene, results from a T to C substitution at nucleotide position 2446. The phenylalanine at codon 816 is replaced by leucine, an amino acid with highly similar properties. This amino acid position is conserved. In addition, this alteration is predicted to be tolerated by in silico analysis. Since supporting evidence is limited at this time, the clinical significance of this alteration remains unclear.